The following is an entry in ClinVar:

NM_000245.4(MET):c.3798+6G>A

Gene: MET (MET proto-oncogene, receptor tyrosine kinase; plus strand). Cytogenetic location: 7q31.2.
Variant type: single nucleotide variant.
Coding change: c.3798+6G>A on transcript NM_000245.4 (MANE Select); 6 bases into the intron after coding-DNA position 3798, G replaced by A.
Molecular consequence: intron variant.
Genome position (GRCh38, 1-based): chr7:116,783,475, G>A. VCF-style: chr7-116783475-G-A. GRCh37 (hg19) VCF-style: chr7-116423529-G-A.
Other names: c.3852+6G>A (NM_001127500.3); c.2508+6G>A (NM_001324402.2).
Identifiers: ClinVar variation 1392843 (VCV001392843.7), dbSNP rs2117067806, ClinGen allele CA2573141536.

ClinVar aggregate classification (germline): Uncertain significance (1 of 4 stars; one submission).

Conditions:
Renal cell carcinoma. Identifiers: Orphanet 217071, MedGen C0007134, MeSH D002292, MONDO:0005086, HP:0005584.

Allele frequency attached by ClinVar (database versions not stated): gnomAD exomes below 0.00001.
gnomAD v4.1: 1 of 1,614,052 alleles (0.000062%); highest among the groups gnomAD compares: South Asian, 0.0011%; no homozygotes.

Submission:

Labcorp Genetics (formerly Invitae), Labcorp
Classification: Uncertain significance for Renal cell carcinoma. Last evaluated: 2022-08-15. Review status: criteria provided, single submitter. Criteria: Invitae Variant Classification Sherloc (09022015). Collection method: clinical testing. Allele origin: germline.
Comment: This variant is not present in population databases (gnomAD no frequency). This variant has not been reported in the literature in individuals affected with MET-related conditions. ClinVar contains an entry for this variant (Variation ID: 1392843). Variants that disrupt the consensus splice site are a relatively common cause of aberrant splicing (PMID: 17576681, 9536098). Algorithms developed to predict the effect of sequence changes on RNA splicing suggest that this variant is not likely to affect RNA splicing. In summary, the available evidence is currently insufficient to determine the role of this variant in disease. Therefore, it has been classified as a Variant of Uncertain Significance. This sequence change falls in intron 19 of the MET gene. It does not directly change the encoded amino acid sequence of the MET protein. It affects a nucleotide within the consensus splice site.

Literature cited by the submitters: PubMed 17576681; PubMed 9536098.